The following is an entry in ClinVar:

NM_000138.5(FBN1):c.1147+3A>C

Genes: FBN1 (fibrillin 1; minus strand), LOC113939944 (Sharpr-MPRA regulatory region 9539; plus strand). Cytogenetic location: 15q21.1.
Variant type: single nucleotide variant.
Coding change: c.1147+3A>C on transcript NM_000138.5 (MANE Select); 3 bases into the intron after coding-DNA position 1147, A replaced by C.
Molecular consequence: intron variant.
Genome position (GRCh38, 1-based): chr15:48,520,656, T>G on the plus strand (A>C on the coding strand, the complement: FBN1 is on the minus strand). VCF-style: chr15-48520656-T-G. GRCh37 (hg19) VCF-style: chr15-48812853-T-G.
Identifiers: ClinVar variation 651638 (VCV000651638.5), dbSNP rs1597583956, ClinGen allele CA915946608.
Genomic context (GRCh38, chr15:48,520,656, plus strand): 5'-ATTGCCACTGGGCTTGTGAGGGCTGGGATGGGATATTCTGCAGATAACTGGAAGGGCTCT[T>G]ACCGGTTGCTCTGATGGGACACATCTCAGGGGCGACAGTGACCCCTGGAGACCAGCATCG-3'

ClinVar aggregate classification (germline): Uncertain significance. Review status: criteria provided, multiple submitters, no conflicts (2 of 4 stars). 2 submissions from 2 submitters: Uncertain significance (2). Last evaluated 2025-09-15.

Conditions:
Familial thoracic aortic aneurysm and aortic dissection (TAAD). Also called: Thoracic aortic aneurysms and dissections. Identifiers: Orphanet 91387, MedGen C4707243, MONDO:0019625.
Marfan syndrome (MFS). Also called: FBN1-Related Marfan Syndrome; Marfan syndrome type 1; Marfan's syndrome; Marfan syndrome, classic; MARFAN SYNDROME, TYPE I. Identifiers: Orphanet 284963, Orphanet 558, MedGen C0024796, MONDO:0007947, OMIM 154700.

Submissions (2):

GeneDx
Classification: Uncertain significance. Last evaluated: 2025-09-15. Review status: criteria provided, single submitter. Criteria: GeneDx Variant Classification Process June 2021. Collection method: clinical testing. Allele origin: germline. Affected: yes.
Comment: Not observed at significant frequency in large population cohorts (gnomAD); In silico analysis supports a deleterious effect on splicing; Has not been previously published as pathogenic or benign to our knowledge

Labcorp Genetics (formerly Invitae), Labcorp
Classification: Uncertain significance for Marfan syndrome; Familial thoracic aortic aneurysm and aortic dissection. Last evaluated: 2024-09-26. Review status: criteria provided, single submitter. Criteria: Invitae Variant Classification Sherloc (09022015). Collection method: clinical testing. Allele origin: germline.
Comment: This sequence change falls in intron 10 of the FBN1 gene. It does not directly change the encoded amino acid sequence of the FBN1 protein. It affects a nucleotide within the consensus splice site. This variant is not present in population databases (gnomAD no frequency). This variant has not been reported in the literature in individuals affected with FBN1-related conditions. ClinVar contains an entry for this variant (Variation ID: 651638). Variants that disrupt the consensus splice site are a relatively common cause of aberrant splicing (PMID: 17576681, 9536098). Algorithms developed to predict the effect of sequence changes on RNA splicing suggest that this variant may disrupt the consensus splice site. In summary, the available evidence is currently insufficient to determine the role of this variant in disease. Therefore, it has been classified as a Variant of Uncertain Significance.

Literature cited by the submitters: PubMed 17576681 (cited by Labcorp Genetics (formerly Invitae), Labcorp); PubMed 9536098 (cited by Labcorp Genetics (formerly Invitae), Labcorp).